The following is an entry in ClinVar:

ClinVar aggregate classification (germline): Likely pathogenic (0 of 4 stars; one submission).

Conditions:
Treacher Collins syndrome 1 (TCS1). Also called: TCOF1-Related Treacher Collins Syndrome. Identifiers: Orphanet 861, MedGen CN315775, MONDO:0007944, OMIM 154500.

Allele frequency attached by ClinVar (database versions not stated): gnomAD exomes below 0.00001; ExAC 0.00001.
gnomAD v4.1: 1 of 1,614,238 alleles (0.000062%); highest among the groups gnomAD compares: South Asian, 0.0011%; no homozygotes.

Submission:

Foundation for Research in Genetics and Endocrinology, FRIGE's Institute of Human Genetics
Classification: Likely pathogenic for Treacher Collins syndrome 1. Last evaluated: 2016-04-04. Review status: no assertion criteria provided. Collection method: clinical testing. Allele origin: germline. Inheritance: Autosomal dominant inheritance. Affected: yes. Observed: 1 variant allele, 1 heterozygote.
Comment: The identified variant has been reported in ExAC database as rare variant with allele frequency of 0.001%. MutationTaster and PolyPhen-2 suggest that this variant is probably damaging to protein structure.

NM_001371623.1(TCOF1):c.1705G>A (p.Glu569Lys)

Gene: TCOF1 (treacle ribosome biogenesis factor 1; plus strand). Cytogenetic location: 5q32.
Variant type: single nucleotide variant.
Coding change: c.1705G>A on transcript NM_001371623.1 (MANE Select); coding-DNA position 1705, G replaced by A.
Protein change: p.Glu569Lys; replaces glutamic acid 569 with lysine.
Molecular consequence: missense variant.
Genome position (GRCh38, 1-based): chr5:150,375,721, G>A. VCF-style: chr5-150375721-G-A. GRCh37 (hg19) VCF-style: chr5-149755284-G-A.
Other names: c.1474G>A, p.Glu492Lys (NM_000356.4, NM_001135245.2); c.1705G>A, p.Glu569Lys (NM_001008657.3, NM_001135243.2, NM_001135244.2 and 1 more transcripts); short protein forms E492K, E569K.
Identifiers: ClinVar variation 433551 (VCV000433551.2), dbSNP rs764314276, ClinGen allele CA3510982.
Genomic context (GRCh38, chr5:150,375,721, plus strand): 5'-TTAATGTCTGCACACACCTACCCTGGGCTCCCTCTCCCGATCCTGTGTATCTCACTCCAG[G>A]AAAAGTCCTTGGGGAACATCCTCCAGGCCAAACCCACCTCCAGTCCTGCCAAGGGGCCCC-3'
Protein context (NP_001358552.1, residues 559-579): EVPTAVAPAQ[Glu569Lys]KSLGNILQAK